The following is an entry in ClinVar:

ClinVar aggregate classification (germline): Conflicting classifications of pathogenicity. Review status: criteria provided, conflicting classifications (1 of 4 stars). 3 submissions from 3 submitters: Uncertain significance (2); Likely benign (1). Last evaluated 2026-01-31.

Conditions:
KBG syndrome (KBGS). Also called: ANKRD11-Related KBG Syndrome. Identifiers: Orphanet 2332, MedGen C0220687, MONDO:0007846, OMIM 148050.

Submissions (3):

Labcorp Genetics (formerly Invitae), Labcorp
Classification: Likely benign for KBG syndrome. Last evaluated: 2026-01-31. Review status: criteria provided, single submitter. Criteria: Invitae Variant Classification Sherloc (09022015). Collection method: clinical testing. Allele origin: germline.

GeneDx
Classification: Uncertain significance. Last evaluated: 2026-01-06. Review status: criteria provided, single submitter. Criteria: GeneDx Variant Classification Process June 2021. Collection method: clinical testing. Allele origin: germline. Affected: yes.
Comment: In-frame deletion of 2 amino acids in a non-repeat region; In silico analysis supports a deleterious effect on protein structure/function; Has not been previously published as pathogenic or benign to our knowledge; This variant is associated with the following publications: (PMID: 27535533)

Breakthrough Genomics
Classification: Uncertain significance. Review status: criteria provided, single submitter. Criteria: ACMG Guidelines, 2015. Collection method: not provided. Allele origin: germline. Inheritance: Autosomal dominant inheritance. Affected: yes.

NM_013275.6(ANKRD11):c.3221_3226del (p.Lys1074_Glu1075del)

Gene: ANKRD11 (ankyrin repeat domain 11; minus strand). Cytogenetic location: 16q24.3.
Variant type: Deletion.
Coding change: c.3221_3226del on transcript NM_013275.6 (MANE Select); coding-DNA positions 3221 to 3226, 6 bases deleted (AAGAAA; older notation c.3221_3226delAAGAAA).
Protein change: p.Lys1074_Glu1075del.
Molecular consequence: inframe deletion.
Genome position (GRCh38, 1-based): chr16:89,283,316-89,283,321, TTTCTT deleted on the plus strand (AAGAAA on the coding strand, the reverse complement: ANKRD11 is on the minus strand); deleting any 6 consecutive bases within chr16:89,283,316-89,283,322 gives the same sequence; the c. name uses the placement nearest the transcript's 3' end. VCF-style (leftmost placement, unchanged base first): chr16-89283315-CTTTCTT-C. GRCh37 (hg19) VCF-style: chr16-89349723-CTTTCTT-C.
Other names: c.3221_3226del, p.Lys1074_Glu1075del (NM_001256182.2, NM_001256183.2).
Identifiers: ClinVar variation 1328785 (VCV001328785.9), dbSNP rs747301279, ClinGen allele CA8242402.